The following is an entry in ClinVar:

NM_000179.3(MSH6):c.2845C>T (p.Gln949Ter)

Gene: MSH6 (mutS homolog 6; plus strand). Cytogenetic location: 2p16.3.
Variant type: single nucleotide variant.
Coding change: c.2845C>T on transcript NM_000179.3 (MANE Select); coding-DNA position 2845, C replaced by T.
Protein change: p.Gln949Ter; replaces glutamine 949 with a stop codon.
Molecular consequence: nonsense.
Genome position (GRCh38, 1-based): chr2:47,800,828, C>T. VCF-style: chr2-47800828-C-T. GRCh37 (hg19) VCF-style: chr2-48027967-C-T.
Other names: c.2455C>T, p.Gln819Ter (NM_001281492.2); c.1939C>T, p.Gln647Ter (NM_001281493.2, NM_001281494.2); short protein forms Q647*, Q819*, Q949*.
Identifiers: ClinVar variation 1417601 (VCV001417601.10), dbSNP rs878853724, ClinGen allele CA346755827.

ClinVar aggregate classification (germline): Pathogenic/Likely pathogenic. Review status: criteria provided, multiple submitters, no conflicts (2 of 4 stars). 4 submissions from 4 submitters: Pathogenic (3); Likely pathogenic (1). Last evaluated 2023-08-21.

Conditions:
Lynch syndrome 5 (LYNCH5). Also called: Colorectal cancer, hereditary nonpolyposis, type 5; Hereditary non-polyposis colorectal cancer, type 5. Identifiers: Orphanet 144, MedGen C1833477, MONDO:0013710, OMIM 614350. Disease mechanism: loss of function.
Hereditary nonpolyposis colon cancer (HNPCC). Also called: Hereditary Nonpolyposis Colorectal Cancer Syndrome; Hereditary nonpolyposis colorectal cancer; Familial nonpolyposis colon cancer. Identifiers: Orphanet 443909, MedGen C1333990, MONDO:0018630. Disease mechanism: loss of function.
Hereditary nonpolyposis colorectal neoplasms. Identifiers: MedGen C0009405, MeSH D003123.
Hereditary cancer-predisposing syndrome. Also called: Hereditary Cancer Syndrome; Tumor predisposition; Hereditary neoplastic syndrome; Neoplastic Syndromes, Hereditary. Identifiers: Orphanet 140162, MedGen C0027672, MeSH D009386, MONDO:0015356.

Submissions (4):

Myriad Genetics, Inc.
Classification: Pathogenic for Lynch syndrome 5. Last evaluated: 2023-08-21. Review status: criteria provided, single submitter. Criteria: Myriad Autosomal Dominant, Autosomal Recessive and X-Linked Classification Criteria (2023). Collection method: clinical testing. Allele origin: unknown.
Comment: This variant is considered pathogenic. This variant creates a termination codon and is predicted to result in premature protein truncation.

Women's Health and Genetics/Laboratory Corporation of America, LabCorp
Classification: Likely pathogenic for Hereditary nonpolyposis colon cancer. Last evaluated: 2022-12-21. Review status: criteria provided, single submitter. Criteria: LabCorp Variant Classification Summary - May 2015. Collection method: clinical testing. Allele origin: germline.
Comment: Variant summary: MSH6 c.2845C>T (p.Gln949X) results in a premature termination codon, predicted to cause a truncation of the encoded protein or absence of the protein due to nonsense mediated decay, which are commonly known mechanisms for disease. Truncations downstream of this position have been classified as pathogenic by our laboratory. The variant was absent in 250324 control chromosomes (gnomAD). To our knowledge, no occurrence of c.2845C>T in individuals affected with Lynch Syndrome and no experimental evidence demonstrating its impact on protein function have been reported. Two clinical diagnostic laboratories have submitted clinical-significance assessments for this variant to ClinVar after 2014 and classified the variant as pathogenic. Based on the evidence outlined above, the variant was classified as likely pathogenic.

Labcorp Genetics (formerly Invitae), Labcorp
Classification: Pathogenic for Hereditary nonpolyposis colorectal neoplasms. Last evaluated: 2021-06-14. Review status: criteria provided, single submitter. Criteria: Invitae Variant Classification Sherloc (09022015). Collection method: clinical testing. Allele origin: germline.
Comment: This variant has not been reported in the literature in individuals with MSH6-related conditions. For these reasons, this variant has been classified as Pathogenic. This variant is not present in population databases (ExAC no frequency). This sequence change creates a premature translational stop signal (p.Gln949*) in the MSH6 gene. It is expected to result in an absent or disrupted protein product. Loss-of-function variants in MSH6 are known to be pathogenic (PMID: 18269114, 24362816).

Ambry Genetics
Classification: Pathogenic for Hereditary cancer-predisposing syndrome. Last evaluated: 2021-02-17. Review status: criteria provided, single submitter. Criteria: Ambry Variant Classification Scheme 2023. Collection method: clinical testing. Allele origin: germline.
Comment: The p.Q949* pathogenic mutation (also known as c.2845C>T), located in coding exon 4 of the MSH6 gene, results from a C to T substitution at nucleotide position 2845. This changes the amino acid from a glutamine to a stop codon within coding exon 4. This alteration is expected to result in loss of function by premature protein truncation or nonsense-mediated mRNA decay. As such, this alteration is interpreted as a disease-causing mutation.

Literature cited by the submitters: PubMed 18269114 (cited by Labcorp Genetics (formerly Invitae), Labcorp); PubMed 24362816 (cited by Labcorp Genetics (formerly Invitae), Labcorp).